The following is an entry in ClinVar:

ClinVar aggregate classification (germline): Benign (1 of 4 stars; one submission).

Allele frequency attached by ClinVar (database versions not stated): gnomAD 0.48817 and 0.49298; TOPMed 0.49975; 1000 Genomes Project 0.52157; 1000 Genomes Project 30x 0.52202.
gnomAD v4.1: 74,014 of 151,724 alleles (49%); highest among the groups gnomAD compares: African/African-American, 64%; 19,018 homozygotes.

Submission:

GeneDx
Classification: Benign. Last evaluated: 2018-06-14. Review status: criteria provided, single submitter. Criteria: GeneDx Variant Classification (06012015). Collection method: clinical testing. Allele origin: germline. Affected: yes.
Comment: This variant is considered likely benign or benign based on one or more of the following criteria: it is a conservative change, it occurs at a poorly conserved position in the protein, it is predicted to be benign by multiple in silico algorithms, and/or has population frequency not consistent with disease.

NM_001098511.3(KIF2A):c.1761-238A>G

Gene: KIF2A (kinesin family member 2A; plus strand). Cytogenetic location: 5q12.1.
Variant type: single nucleotide variant.
Coding change: c.1761-238A>G on transcript NM_001098511.3 (MANE Select); 238 bases into the intron before coding-DNA position 1761, A replaced by G.
Molecular consequence: intron variant.
Genome position (GRCh38, 1-based): chr5:62,373,449, A>G. VCF-style: chr5-62373449-A-G. GRCh37 (hg19) VCF-style: chr5-61669276-A-G.
Other names: c.1566-238A>G (NM_001243952.2); c.1647-238A>G (NM_004520.5); c.1590-238A>G (NM_001243953.2).
Identifiers: ClinVar variation 682883 (VCV000682883.1), dbSNP rs247218, ClinGen allele CA119776160.